The following is an entry in ClinVar:

ClinVar aggregate classification (germline): Uncertain significance. Review status: criteria provided, multiple submitters, no conflicts (2 of 4 stars). 4 submissions from 4 submitters: Uncertain significance (4). Last evaluated 2026-06-04.

Conditions:
Inborn genetic diseases. Identifiers: MedGen C0950123, MeSH D030342.

Allele frequency attached by ClinVar (database versions not stated): ESP Exome Variant Server 0.00008; 1000 Genomes Project 30x 0.00016; 1000 Genomes Project 0.00020; TOPMed 0.00021.
gnomAD v4.1: 237 of 1,613,674 alleles (0.015%); highest among the groups gnomAD compares: Non-Finnish European, 0.017%; no homozygotes.

Submissions (4):

Women's Health and Genetics/Laboratory Corporation of America, LabCorp
Classification: Uncertain significance. Last evaluated: 2026-06-04. Review status: criteria provided, single submitter. Criteria: LabCorp Variant Classification Summary - May 2015. Collection method: clinical testing. Allele origin: germline.
Comment: Variant summary: OBSL1 c.4567G>A (p.Glu1523Lys) results in a conservative amino acid change in the encoded protein sequence. Algorithms developed to predict the effect of missense changes on protein structure and function are either unavailable or do not agree on the potential impact of this missense change. The variant allele was found at a frequency of 0.00013 in 248104 control chromosomes. This frequency is not significantly higher than estimated for disease-causing variants in OBSL1, allowing no conclusion about variant significance. To our knowledge, no occurrence of c.4567G>A in individuals affected with OBSL1-related conditions and no experimental evidence demonstrating its impact on protein function have been reported. ClinVar contains an entry for this variant (Variation ID: 998413). Based on the evidence outlined above, the variant was classified as uncertain significance.

Ambry Genetics
Classification: Uncertain significance for Inborn genetic diseases. Last evaluated: 2024-09-24. Review status: criteria provided, single submitter. Criteria: Ambry Variant Classification Scheme 2023. Collection method: clinical testing. Allele origin: germline.

GeneDx
Classification: Uncertain significance. Last evaluated: 2024-07-15. Review status: criteria provided, single submitter. Criteria: GeneDx Variant Classification Process June 2021. Collection method: clinical testing. Allele origin: germline. Affected: yes.
Comment: In silico analysis supports that this missense variant has a deleterious effect on protein structure/function; Has not been previously published as pathogenic or benign to our knowledge

Labcorp Genetics (formerly Invitae), Labcorp
Classification: Uncertain significance. Last evaluated: 2022-06-15. Review status: criteria provided, single submitter. Criteria: Invitae Variant Classification Sherloc (09022015). Collection method: clinical testing. Allele origin: germline.
Comment: This sequence change replaces glutamic acid, which is acidic and polar, with lysine, which is basic and polar, at codon 1523 of the OBSL1 protein (p.Glu1523Lys). This variant is present in population databases (rs368547852, gnomAD 0.02%). This variant has not been reported in the literature in individuals affected with OBSL1-related conditions. ClinVar contains an entry for this variant (Variation ID: 998413). Algorithms developed to predict the effect of missense changes on protein structure and function output the following: SIFT: "Tolerated"; PolyPhen-2: "Benign"; Align-GVGD: "Class C0". The lysine amino acid residue is found in multiple mammalian species, which suggests that this missense change does not adversely affect protein function. In summary, the available evidence is currently insufficient to determine the role of this variant in disease. Therefore, it has been classified as a Variant of Uncertain Significance.

NM_015311.3(OBSL1):c.4567G>A (p.Glu1523Lys)

Gene: OBSL1 (obscurin like cytoskeletal adaptor 1; minus strand). Cytogenetic location: 2q35.
Variant type: single nucleotide variant.
Coding change: c.4567G>A on transcript NM_015311.3 (MANE Select); coding-DNA position 4567, G replaced by A.
Protein change: p.Glu1523Lys; replaces glutamic acid 1523 with lysine.
Molecular consequence: missense variant.
Genome position (GRCh38, 1-based): chr2:219,556,062, C>T on the plus strand (G>A on the coding strand, the complement: OBSL1 is on the minus strand). VCF-style: chr2-219556062-C-T. GRCh37 (hg19) VCF-style: chr2-220420784-C-T.
Other names: c.4567G>A, p.Glu1523Lys (NM_001173431.2); short protein forms E1523K.
Identifiers: ClinVar variation 998413 (VCV000998413.8), dbSNP rs368547852, ClinGen allele CA2130505.
Genomic context (GRCh38, chr2:219,556,062, plus strand): 5'-AGAGGACGGGGCACTCACGCCTCACGCTGAGCCTGGCCAGGGTGCGATCGTGGTGGCTCT[C>T]GCAGCCGTAGGTGCCCTGGTCGGCCAGTATGACACCATGGATGAAGAGGCGGTGGATGTG-3'
Protein context (NP_056126.1, residues 1513-1533): ILADQGTYGC[Glu1523Lys]SHHDRTLARL